The following is an entry in ClinVar:

NM_017547.4(FOXRED1):c.874G>A (p.Gly292Arg)

Gene: FOXRED1 (FAD dependent oxidoreductase domain containing 1; plus strand). Cytogenetic location: 11q24.2.
Variant type: single nucleotide variant.
Coding change: c.874G>A on transcript NM_017547.4 (MANE Select); coding-DNA position 874, G replaced by A.
Protein change: p.Gly292Arg; replaces glycine 292 with arginine.
Molecular consequence: missense variant. On other transcripts: non-coding transcript variant (2).
Genome position (GRCh38, 1-based): chr11:126,276,122, G>A. VCF-style: chr11-126276122-G-A. GRCh37 (hg19) VCF-style: chr11-126146017-G-A.
Other names: short protein forms G292R.
Identifiers: ClinVar variation 449732 (VCV000449732.52), dbSNP rs749110767, ClinGen allele CA6354252.
Genomic context (GRCh38, chr11:126,276,122, plus strand): 5'-AAGATGGACCGCAGCCTGGAGTACCAGCCTGTGGAATGCGCCATTGTGATCAACGCAGCC[G>A]GAGCCTGGTCTGCGCAAATCGCAGCACTGGCTGGTGTTGGAGAGGGGCCGCCTGGCACCC-3'
Protein context (NP_060017.1, residues 282-302): VECAIVINAA[Gly292Arg]AWSAQIAALA

ClinVar aggregate classification (germline): Pathogenic/Likely pathogenic. Review status: criteria provided, multiple submitters, no conflicts (2 of 4 stars). 6 submissions from 6 submitters: Pathogenic (4); Likely pathogenic (2). Last evaluated 2024-09-25.

Conditions:
Mitochondrial complex I deficiency, nuclear type 19. Also called: Mitochondrial complex 1 deficiency, nuclear type 19. Identifiers: MedGen C4748791, MONDO:0032624, OMIM 618241.
Inborn genetic diseases. Identifiers: MedGen C0950123, MeSH D030342.

Allele frequency attached by ClinVar (database versions not stated): TOPMed below 0.00001; ExAC 0.00001; gnomAD 0.00001; gnomAD exomes 0.00001.
gnomAD v4.1: 19 of 1,612,496 alleles (0.0012%); highest among the groups gnomAD compares: Middle Eastern, 0.016%; no homozygotes.

Submissions (6):

GeneDx
Classification: Likely pathogenic. Last evaluated: 2024-09-25. Review status: criteria provided, single submitter. Criteria: GeneDx Variant Classification Process June 2021. Collection method: clinical testing. Allele origin: germline. Affected: yes.
Comment: Not observed at significant frequency in large population cohorts (gnomAD); In silico analysis supports that this missense variant has a deleterious effect on protein structure/function; This variant is associated with the following publications: (PMID: 30956948, 28097321, 30723688, 31589614, 33726816, 32964447, 31065540)

Labcorp Genetics (formerly Invitae), Labcorp
Classification: Pathogenic. Last evaluated: 2024-05-09. Review status: criteria provided, single submitter. Criteria: Invitae Variant Classification Sherloc (09022015). Collection method: clinical testing. Allele origin: germline.
Comment: This sequence change replaces glycine, which is neutral and non-polar, with arginine, which is basic and polar, at codon 292 of the FOXRED1 protein (p.Gly292Arg). This variant is present in population databases (rs749110767, gnomAD 0.006%). This missense change has been observed in individual(s) with mitochondrial complex I deficiency (PMID: 28097321, 30723688, 31065540, 33726816). In at least one individual the data is consistent with being in trans (on the opposite chromosome) from a pathogenic variant. ClinVar contains an entry for this variant (Variation ID: 449732). Advanced modeling of protein sequence and biophysical properties (such as structural, functional, and spatial information, amino acid conservation, physicochemical variation, residue mobility, and thermodynamic stability) performed at Invitae indicates that this missense variant is expected to disrupt FOXRED1 protein function with a positive predictive value of 95%. For these reasons, this variant has been classified as Pathogenic.

Fulgent Genetics
Classification: Pathogenic for Mitochondrial complex I deficiency, nuclear type 19. Last evaluated: 2024-02-01. Review status: criteria provided, single submitter. Criteria: ACMG Guidelines, 2015. Collection method: clinical testing. Allele origin: germline.

Women's Health and Genetics/Laboratory Corporation of America, LabCorp
Classification: Pathogenic for Mitochondrial complex I deficiency, nuclear type 19. Last evaluated: 2024-01-29. Review status: criteria provided, single submitter. Criteria: LabCorp Variant Classification Summary - May 2015. Collection method: clinical testing. Allele origin: germline.
Comment: Variant summary: FOXRED1 c.874G>A (p.Gly292Arg) results in a non-conservative amino acid change to a highly conserved residue (HGMD) located in the FAD dependent oxidoreductase domain (IPR006076) of the encoded protein sequence. Five of five in-silico tools predict a damaging effect of the variant on protein function. The variant allele was found at a frequency of 1.2e-05 in 248526 control chromosomes (gnomAD). c.874G>A has been reported in the literature in multiple individuals affected with Mitochondrial Complex 1 Deficiency, both in the homozygous state and in the compound heterozygous state with a pathogenic variant (Reuter_2017, Apatean_2019, Stodberg_2020). These data indicate that the variant is very likely to be associated with disease. The following publications have been ascertained in the context of this evaluation (PMID: 28097321, 30723688, 32964447). ClinVar contains an entry for this variant (Variation ID: 449732). Based on the evidence outlined above, the variant was classified as pathogenic.

Ambry Genetics
Classification: Likely pathogenic for Inborn genetic diseases. Last evaluated: 2021-12-06. Review status: criteria provided, single submitter. Criteria: Ambry Variant Classification Scheme 2023. Collection method: clinical testing. Allele origin: germline.
Comment: The c.874G>A (p.G292R) alteration is located in exon 8 (coding exon 8) of the FOXRED1 gene. This alteration results from a G to A substitution at nucleotide position 874, causing the glycine (G) at amino acid position 292 to be replaced by an arginine (R). Based on data from gnomAD, the A allele has an overall frequency of <0.01% (3/248526) total alleles studied. The highest observed frequency was 0.01% (1/18328) of East Asian alleles. This alteration has been reported in the homozygous and compound heterozygous states in individuals with features consistent with FOXRED1-related mitochondrial complex I deficiency (Apatean, 2019; St&ouml;dberg, 2020; Reuter, 2017). This alteration is predicted to be deleterious by in silico analysis. Based on the available evidence, this alteration is classified as likely pathogenic.

CeGaT Center for Human Genetics Tuebingen
Classification: Pathogenic. Last evaluated: 2020-06-01. Review status: criteria provided, single submitter. Criteria: CeGaT Center For Human Genetics Tuebingen Variant Classification Criteria Version 2. Collection method: clinical testing. Allele origin: germline. Affected: yes. Observed: 3 variant alleles.

Literature cited by the submitters: PubMed 28097321 (cited by 3 submitters); PubMed 30723688 (cited by Labcorp Genetics (formerly Invitae), Labcorp and Women's Health and Genetics/Laboratory Corporation of America, LabCorp); PubMed 31065540 (cited by Labcorp Genetics (formerly Invitae), Labcorp and Ambry Genetics); PubMed 33726816 (cited by Labcorp Genetics (formerly Invitae), Labcorp); PubMed 32964447 (cited by Women's Health and Genetics/Laboratory Corporation of America, LabCorp and Ambry Genetics).